The following is an entry in ClinVar:

NM_014165.4(NDUFAF4):c.197A>G (p.Lys66Arg)

Gene: NDUFAF4 (NADH:ubiquinone oxidoreductase complex assembly factor 4; minus strand). Cytogenetic location: 6q16.1.
Variant type: single nucleotide variant.
Coding change: c.197A>G on transcript NM_014165.4 (MANE Select); coding-DNA position 197, A replaced by G.
Protein change: p.Lys66Arg; replaces lysine 66 with arginine.
Molecular consequence: missense variant.
Genome position (GRCh38, 1-based): chr6:96,896,787, T>C on the plus strand (A>G on the coding strand, the complement: NDUFAF4 is on the minus strand). VCF-style: chr6-96896787-T-C. GRCh37 (hg19) VCF-style: chr6-97344663-T-C.
Other names: short protein forms K66R.
Identifiers: ClinVar variation 1254154 (VCV001254154.9), dbSNP rs148667964, ClinGen allele CA3931448.

ClinVar aggregate classification (germline): Conflicting classifications of pathogenicity. Review status: criteria provided, conflicting classifications (1 of 4 stars). 2 submissions from 2 submitters: Uncertain significance (1); Likely benign (1). Last evaluated 2026-02-12.

Allele frequency attached by ClinVar (database versions not stated): gnomAD exomes 0.00006 and 0.00015; ExAC 0.00019; gnomAD 0.00060 and 0.00061; TOPMed 0.00066; ESP Exome Variant Server 0.00069; 1000 Genomes Project 0.00080; 1000 Genomes Project 30x 0.00094.
gnomAD v4.1: 171 of 1,613,762 alleles (0.011%); highest among the groups gnomAD compares: African/African-American, 0.21%; no homozygotes.

Submissions (2):

GeneDx
Classification: Uncertain significance. Last evaluated: 2026-02-12. Review status: criteria provided, single submitter. Criteria: GeneDx Variant Classification Process June 2021. Collection method: clinical testing. Allele origin: germline. Affected: yes.
Comment: Has not been previously published as pathogenic or benign to our knowledge; In silico analysis suggests that this missense variant does not alter protein structure/function

Labcorp Genetics (formerly Invitae), Labcorp
Classification: Likely benign. Last evaluated: 2025-12-01. Review status: criteria provided, single submitter. Criteria: Invitae Variant Classification Sherloc (09022015). Collection method: clinical testing. Allele origin: germline.